The following is an entry in ClinVar:

ClinVar aggregate classification (germline): Likely benign. Review status: criteria provided, multiple submitters, no conflicts (2 of 4 stars). 2 submissions from 2 submitters: Likely benign (2). Last evaluated 2025-07-07.

Conditions:
RP1L1-related disorder. Also called: RP1L1-related condition.

Submissions (2):

PreventionGenetics, part of Exact Sciences
Classification: Likely benign for RP1L1-related condition. Last evaluated: 2025-07-07. Review status: criteria provided, single submitter. Criteria: ACMG Guidelines, 2015. Collection method: clinical testing. Allele origin: germline.
Comment: This variant is classified as likely benign based on ACMG/AMP sequence variant interpretation guidelines (Richards et al. 2015 PMID: 25741868, with internal and published modifications).

Blueprint Genetics
Classification: Likely benign. Last evaluated: 2024-08-23. Review status: criteria provided, single submitter. Criteria: ACMG Guidelines, 2015. Collection method: clinical testing. Allele origin: germline.

NM_178857.6(RP1L1):c.2532G>C (p.Glu844Asp)

Gene: RP1L1 (RP1 like 1). Cytogenetic location: 8p23.1.
Variant type: single nucleotide variant.
Coding change: c.2532G>C on transcript NM_178857.6 (MANE Select); coding-DNA position 2532, G replaced by C.
Protein change: p.Glu844Asp; replaces glutamic acid 844 with aspartic acid.
Molecular consequence: missense variant.
Genome position (GRCh38, 1-based): chr8:10,611,566, C>G on the plus strand (G>C on the coding strand, the complement: RP1L1 is on the minus strand). VCF-style: chr8-10611566-C-G. GRCh37 (hg19) VCF-style: chr8-10469076-C-G.
Other names: c.2532G>C (NM_178857.5); short protein forms E844D.
Identifiers: ClinVar variation 4899287 (VCV004899287.2).
Genomic context (GRCh38, chr8:10,611,566, plus strand): 5'-CTGGGGGCAGGGCCGCCCCCTGGGCGGGGTGGGACAGTACCTGCCACACAGCCAGCTAGC[C>G]TCAGGGGAGGGTCCCCGCTGGGCCTCTTGGGCCGGCTGCGTCCCAGGCTGTGAGCAGCAG-3'
Protein context (NP_849188.4, residues 834-854): AQEAQRGPSP[Glu844Asp]ASWLCGRYCP